The following is an entry in ClinVar:

ClinVar aggregate classification (germline): Uncertain significance. Review status: criteria provided, multiple submitters, no conflicts (2 of 4 stars). 2 submissions from 2 submitters: Uncertain significance (2). Last evaluated 2023-04-17.

Allele frequency attached by ClinVar (database versions not stated): ExAC 0.00001.
gnomAD v4.1: 3 of 1,612,120 alleles (0.00019%); highest among the groups gnomAD compares: Admixed American, 0.0017%; no homozygotes.

Submissions (2):

Mayo Clinic Laboratories, Mayo Clinic
Classification: Uncertain significance. Last evaluated: 2023-04-17. Review status: criteria provided, single submitter. Criteria: ACMG Guidelines, 2015. Collection method: clinical testing. Allele origin: germline. Observed: 1 variant allele.

Labcorp Genetics (formerly Invitae), Labcorp
Classification: Uncertain significance. Last evaluated: 2022-05-12. Review status: criteria provided, single submitter. Criteria: Invitae Variant Classification Sherloc (09022015). Collection method: clinical testing. Allele origin: germline.
Comment: This sequence change replaces glycine, which is neutral and non-polar, with valine, which is neutral and non-polar, at codon 168 of the DNAJC12 protein (p.Gly168Val). This variant is present in population databases (rs781133305, gnomAD 0.003%). This variant has not been reported in the literature in individuals affected with DNAJC12-related conditions. Algorithms developed to predict the effect of missense changes on protein structure and function (SIFT, PolyPhen-2, Align-GVGD) all suggest that this variant is likely to be tolerated. Algorithms developed to predict the effect of sequence changes on RNA splicing suggest that this variant may create or strengthen a splice site. In summary, the available evidence is currently insufficient to determine the role of this variant in disease. Therefore, it has been classified as a Variant of Uncertain Significance.

NM_021800.3(DNAJC12):c.503G>T (p.Gly168Val)

Gene: DNAJC12 (DnaJ heat shock protein family (Hsp40) member C12; minus strand). Cytogenetic location: 10q21.3.
Variant type: single nucleotide variant.
Coding change: c.503G>T on transcript NM_021800.3 (MANE Select); coding-DNA position 503, G replaced by T.
Protein change: p.Gly168Val; replaces glycine 168 with valine.
Molecular consequence: missense variant.
Genome position (GRCh38, 1-based): chr10:67,797,210, C>A on the plus strand (G>T on the coding strand, the complement: DNAJC12 is on the minus strand). VCF-style: chr10-67797210-C-A. GRCh37 (hg19) VCF-style: chr10-69556968-C-A.
Other names: p.Gly168Val; short protein forms G168V.
Identifiers: ClinVar variation 1969453 (VCV001969453.6), dbSNP rs781133305, ClinGen allele CA5520775.